The following is an entry in ClinVar:

NM_144508.5(KNL1):c.840G>T (p.Gly280=)

Gene: KNL1 (kinetochore scaffold 1; plus strand). Cytogenetic location: 15q15.1.
Variant type: single nucleotide variant.
Coding change: c.840G>T on transcript NM_144508.5 (MANE Select); coding-DNA position 840, G replaced by T.
Protein change: p.Gly280=; no amino-acid change (glycine 280 retained).
Molecular consequence: synonymous variant.
Genome position (GRCh38, 1-based): chr15:40,621,104, G>T. VCF-style: chr15-40621104-G-T. GRCh37 (hg19) VCF-style: chr15-40913302-G-T.
Other names: c.918G>T, p.Gly306= (NM_170589.5).
Identifiers: ClinVar variation 2645177 (VCV002645177.25), dbSNP rs777829942, ClinGen allele CA489976516.
Genomic context (GRCh38, chr15:40,621,104, plus strand): 5'-TCTTAAGGAAGATGAAAATAACAGTAATATTACTAGGCTCTTTAGAGAAAAAGATGATGG[G>T]ATGAATTTCACCCAGTGTCATACAGCCAATATTCAGACATTGATTCCCACATCCAGTGAG-3'
Protein context (NP_653091.3, residues 270-290): ITRLFREKDD[Gly280=]MNFTQCHTAN

ClinVar aggregate classification (germline): Likely benign. Review status: criteria provided, multiple submitters, no conflicts (2 of 4 stars). 2 submissions from 2 submitters: Likely benign (2). Last evaluated 2025-02-16.

Allele frequency attached by ClinVar (database versions not stated): TOPMed 0.00001.
gnomAD v4.1: 9 of 1,613,628 alleles (0.00056%); highest among the groups gnomAD compares: Non-Finnish European, 0.00076%; no homozygotes.

Submissions (2):

Laboratory of Genetics, Children's Clinical University Hospital Latvia
Classification: Likely benign. Last evaluated: 2025-02-16. Review status: criteria provided, single submitter. Criteria: ACMG Guidelines, 2015. Collection method: clinical testing. Allele origin: germline. Affected: yes.

CeGaT Center for Human Genetics Tuebingen
Classification: Likely benign. Last evaluated: 2023-02-01. Review status: criteria provided, single submitter. Criteria: CeGaT Center For Human Genetics Tuebingen Variant Classification Criteria Version 2. Collection method: clinical testing. Allele origin: germline. Affected: yes. Observed: 1 variant allele.
Comment: KNL1: PM2:Supporting, BP4, BP7